The following is an entry in ClinVar:

ClinVar aggregate classification (germline): Uncertain significance. Review status: criteria provided, multiple submitters, no conflicts (2 of 4 stars). 3 submissions from 3 submitters: Uncertain significance (3). Last evaluated 2025-07-28.

Conditions:
Inborn genetic diseases. Identifiers: MedGen C0950123, MeSH D030342.
Perlman syndrome (PRLMNS). Identifiers: Orphanet 2849, MedGen C0796113, MONDO:0009965, OMIM 267000.

Allele frequency attached by ClinVar (database versions not stated): ExAC 0.00003; gnomAD 0.00003 and 0.00004; gnomAD exomes 0.00003; TOPMed 0.00005.
gnomAD v4.1: 50 of 1,421,104 alleles (0.0035%); highest among the groups gnomAD compares: Middle Eastern, 0.02%; 2 homozygotes.

Submissions (3):

Labcorp Genetics (formerly Invitae), Labcorp
Classification: Uncertain significance for Perlman syndrome. Last evaluated: 2025-07-28. Review status: criteria provided, single submitter. Criteria: Invitae Variant Classification Sherloc (09022015). Collection method: clinical testing. Allele origin: germline.
Comment: This sequence change replaces glutamic acid, which is acidic and polar, with lysine, which is basic and polar, at codon 603 of the DIS3L2 protein (p.Glu603Lys). This variant is present in population databases (rs779500558, gnomAD 0.01%), including at least one homozygous and/or hemizygous individual. This variant has not been reported in the literature in individuals affected with DIS3L2-related conditions. ClinVar contains an entry for this variant (Variation ID: 576191). Invitae Evidence Modeling of protein sequence and biophysical properties (such as structural, functional, and spatial information, amino acid conservation, physicochemical variation, residue mobility, and thermodynamic stability) indicates that this missense variant is not expected to disrupt DIS3L2 protein function with a negative predictive value of 80%. In summary, the available evidence is currently insufficient to determine the role of this variant in disease. Therefore, it has been classified as a Variant of Uncertain Significance.

Ambry Genetics
Classification: Uncertain significance for Inborn genetic diseases. Last evaluated: 2025-02-12. Review status: criteria provided, single submitter. Criteria: Ambry Variant Classification Scheme 2023. Collection method: clinical testing. Allele origin: germline.

Breakthrough Genomics
Classification: Uncertain significance. Review status: criteria provided, single submitter. Criteria: ACMG Guidelines, 2015. Collection method: not provided. Allele origin: germline. Inheritance: Autosomal recessive inheritance. Affected: yes.

NM_152383.5(DIS3L2):c.1807G>A (p.Glu603Lys)

Gene: DIS3L2 (DIS3 like 3'-5' exoribonuclease 2; plus strand). Cytogenetic location: 2q37.1.
Variant type: single nucleotide variant.
Coding change: c.1807G>A on transcript NM_152383.5 (MANE Select); coding-DNA position 1807, G replaced by A.
Protein change: p.Glu603Lys; replaces glutamic acid 603 with lysine.
Molecular consequence: missense variant. On other transcripts: intron variant (1).
Genome position (GRCh38, 1-based): chr2:232,329,880, G>A. VCF-style: chr2-232329880-G-A. GRCh37 (hg19) VCF-style: chr2-233194590-G-A.
Other names: c.1582-13465G>A (NM_001257281.2); short protein forms E603K.
Identifiers: ClinVar variation 576191 (VCV000576191.11), dbSNP rs779500558, ClinGen allele CA2164277.
Genomic context (GRCh38, chr2:232,329,880, plus strand): 5'-GAGGAGTTCATGCTCTTGGCCAACATGGCAGTGGCCCACAAGATCCACCGCGCCTTCCCC[G>A]AGCAGGCCCTGCTGCGCCGGCACCCCCCGCCCCAAACAAGGATGCTCAGTGACCTGGTGG-3'
Protein context (NP_689596.4, residues 593-613): VAHKIHRAFP[Glu603Lys]QALLRRHPPP